The following is an entry in ClinVar:

ClinVar aggregate classification (germline): Uncertain significance (1 of 4 stars; one submission).

Conditions:
Hereditary cancer-predisposing syndrome. Also called: Hereditary Cancer Syndrome; Hereditary neoplastic syndrome; Neoplastic Syndromes, Hereditary; Tumor predisposition. Identifiers: Orphanet 140162, MedGen C0027672, MeSH D009386, MONDO:0015356.

Submission:

Ambry Genetics
Classification: Uncertain significance for Hereditary cancer-predisposing syndrome. Last evaluated: 2022-09-27. Review status: criteria provided, single submitter. Criteria: Ambry Variant Classification Scheme 2023. Collection method: clinical testing. Allele origin: germline.
Comment: The p.S2064I variant (also known as c.6191G>T), located in coding exon 15 of the APC gene, results from a G to T substitution at nucleotide position 6191. The serine at codon 2064 is replaced by isoleucine, an amino acid with dissimilar properties. This amino acid position is conserved. In addition, in silico predictors for this gene do not accurately predict pathogenicity. Since supporting evidence is limited at this time, the clinical significance of this alteration remains unclear.

NM_000038.6(APC):c.6191G>T (p.Ser2064Ile)

Gene: APC (APC regulator of Wnt signaling pathway; plus strand). Cytogenetic location: 5q22.2.
Variant type: single nucleotide variant.
Coding change: c.6191G>T on transcript NM_000038.6 (MANE Select); coding-DNA position 6191, G replaced by T.
Protein change: p.Ser2064Ile; replaces serine 2064 with isoleucine.
Molecular consequence: missense variant.
Genome position (GRCh38, 1-based): chr5:112,841,785, G>T. VCF-style: chr5-112841785-G-T. GRCh37 (hg19) VCF-style: chr5-112177482-G-T.
Other names: c.6191G>T, p.Ser2064Ile (NM_001127510.3, NM_001354895.2, NM_001407450.1); c.6137G>T, p.Ser2046Ile (NM_001127511.3); c.6245G>T, p.Ser2082Ile (NM_001354896.2, NM_001407447.1, NM_001407448.1 and 1 more transcripts); c.6221G>T, p.Ser2074Ile (NM_001354897.2); c.6116G>T, p.Ser2039Ile (NM_001354898.2); c.6107G>T, p.Ser2036Ile (NM_001354899.2); c.6068G>T, p.Ser2023Ile (NM_001354900.2); c.6014G>T, p.Ser2005Ile (NM_001354901.2, NM_001407453.1); and 11 more; short protein forms S1781I, S2005I, S2064I, S1963I, S1973I, S2036I, S1680I, S1904I.
Identifiers: ClinVar variation 1752122 (VCV001752122.2), dbSNP rs750650746, ClinGen allele CA16034893.